The following is an entry in ClinVar:

ClinVar aggregate classification (germline): Uncertain significance. Review status: criteria provided, multiple submitters, no conflicts (2 of 4 stars). 2 submissions from 2 submitters: Uncertain significance (2). Last evaluated 2024-02-23.

Conditions:
Polycystic kidney disease, adult type (PKD1). Also called: Polycystic Kidney, Autosomal Dominant; POLYCYSTIC KIDNEY DISEASE 1 WITH OR WITHOUT POLYCYSTIC LIVER DISEASE; POLYCYSTIC KIDNEY DISEASE, ADULT, TYPE I; Polycystic Kidney Disease 1, Autosomal Dominant; Polycystic kidney disease 1; Polycystic kidney disease 1, severe. Identifiers: MedGen C3149841, MONDO:0008263, OMIM 173900.

gnomAD v4.1: 14 of 1,609,028 alleles (0.00087%); highest among the groups gnomAD compares: African/African-American, 0.008%; no homozygotes.

Submissions (2):

Fulgent Genetics
Classification: Uncertain significance for Polycystic kidney disease, adult type. Last evaluated: 2024-02-23. Review status: criteria provided, single submitter. Criteria: ACMG Guidelines, 2015. Collection method: clinical testing. Allele origin: germline.

GeneDx
Classification: Uncertain significance. Last evaluated: 2023-09-15. Review status: criteria provided, single submitter. Criteria: GeneDx Variant Classification Process June 2021. Collection method: clinical testing. Allele origin: germline. Affected: yes.
Comment: In silico analysis supports that this missense variant does not alter protein structure/function; In silico analysis is inconclusive as to whether the variant alters gene splicing. In the absence of RNA/functional studies, the actual effect of this sequence change is unknown.; Has not been previously published as pathogenic or benign to our knowledge

NM_001009944.3(PKD1):c.11290G>A (p.Gly3764Ser)

Genes: PKD1 (polycystin 1, transient receptor potential channel interacting; minus strand), PKD1-AS1 (PKD1 antisense RNA 1; plus strand). Cytogenetic location: 16p13.3.
Variant type: single nucleotide variant.
Coding change: c.11290G>A on transcript NM_001009944.3 (MANE Select); coding-DNA position 11290, G replaced by A.
Protein change: p.Gly3764Ser; replaces glycine 3764 with serine.
Molecular consequence: missense variant.
Genome position (GRCh38, 1-based): chr16:2,092,168, C>T on the plus strand (G>A on the coding strand, the complement: PKD1 is on the minus strand). VCF-style: chr16-2092168-C-T. GRCh37 (hg19) VCF-style: chr16-2142169-C-T.
Other names: c.11287G>A, p.Gly3763Ser (NM_000296.4); short protein forms G3763S, G3764S.
Identifiers: ClinVar variation 3342339 (VCV003342339.2).
Genomic context (GRCh38, chr16:2,092,168, plus strand): 5'-CAACGTCGTAATCGCTGGTGCTGAAGCCTCCTGCGGCCGAGCACGTGTGGACCCTGGGGC[C>T]GGGAGGGTCTGGGTAGAGTGCTGAAACACACAGAGCCCCAGGCCGGGGCCAGGGCCTCAT-3'
Protein context (NP_001009944.3, residues 3754-3774): LQEALYPDPP[Gly3764Ser]PRVHTCSAAG